The following is an entry in ClinVar:

ClinVar aggregate classification (germline): Likely pathogenic. Review status: criteria provided, multiple submitters, no conflicts (2 of 4 stars). 2 submissions from 2 submitters: Likely pathogenic (2). Last evaluated 2019-10-07.

Submissions (2):

ARUP Laboratories, Molecular Genetics and Genomics, ARUP Laboratories
Classification: Likely pathogenic. Last evaluated: 2019-10-07. Review status: criteria provided, single submitter. Criteria: ARUP Molecular Germline Variant Investigation Process. Collection method: clinical testing. Allele origin: germline.
Comment: The COL2A1 c.3230G>T; p.Gly1077Val variant (rs786205477), to our knowledge, is not described in the medical literature but is reported in ClinVar (Variation ID: 191036). This variant is absent from general population databases (Exome Variant Server and Genome Aggregation Database), indicating it is not a common polymorphism. The glycine at codon 1077 is highly conserved, and computational analyses (SIFT, PolyPhen-2) predict that this variant is deleterious. This variant disrupts the repeating Gly-X-Y sequence motif of the collagen triple helix and is predicted to impair collagen function (Barat-Houari 2016). Based on available information, this variant is considered to be likely pathogenic. References: Barat-Houari M et al. Mutation Update for COL2A1 Gene Variants Associated with Type II Collagenopathies. Hum Mutat. 2016 Jan;37(1):7-15.

Genomic Medicine Center of Excellence, King Faisal Specialist Hospital and Research Centre
Classification: Likely pathogenic. Review status: criteria provided, single submitter. Criteria: ACMG Guidelines, 2015. Collection method: research. Allele origin: germline. Affected: yes.

NM_001844.5(COL2A1):c.3230G>T (p.Gly1077Val)

Gene: COL2A1 (collagen type II alpha 1 chain; minus strand). Cytogenetic location: 12q13.11.
Variant type: single nucleotide variant.
Coding change: c.3230G>T on transcript NM_001844.5 (MANE Select); coding-DNA position 3230, G replaced by T.
Protein change: p.Gly1077Val; replaces glycine 1077 with valine.
Molecular consequence: missense variant.
Genome position (GRCh38, 1-based): chr12:47,977,363, C>A on the plus strand (G>T on the coding strand, the complement: COL2A1 is on the minus strand). VCF-style: chr12-47977363-C-A. GRCh37 (hg19) VCF-style: chr12-48371146-C-A.
Other names: c.3023G>T, p.Gly1008Val (NM_033150.3); short protein forms G1077V, G1008V.
Identifiers: ClinVar variation 191036 (VCV000191036.9), dbSNP rs786205477, ClinGen allele CA235882.